The following is an entry in ClinVar:

ClinVar aggregate classification (germline): Uncertain significance. Review status: criteria provided, multiple submitters, no conflicts (2 of 4 stars). 3 submissions from 3 submitters: Uncertain significance (2). 1 of the submissions does not count toward it. Last evaluated 2022-07-19.

Conditions:
Neuronal ceroid lipofuscinosis. Also called: Neuronal Ceroid Lipofuscinoses. Identifiers: Orphanet 216, Orphanet 79263, MedGen C0027877, MONDO:0016295. Disease mechanism: loss of function.
Neuronal ceroid lipofuscinosis 8 (CLN8). Also called: CLN8-Related Neuronal Ceroid-Lipofuscinosis. Identifiers: Orphanet 168491, Orphanet 228354, Orphanet 79264, MedGen C1838570, MONDO:0010830, OMIM 600143.

Allele frequency attached by ClinVar (database versions not stated): ExAC 0.00001; TOPMed 0.00002; gnomAD 0.00004.
gnomAD v4.1: 9 of 1,613,910 alleles (0.00056%); highest among the groups gnomAD compares: African/African-American, 0.008%; no homozygotes.

Submissions (3):

Labcorp Genetics (formerly Invitae), Labcorp
Classification: Uncertain significance for Neuronal ceroid lipofuscinosis. Last evaluated: 2022-07-19. Review status: criteria provided, single submitter. Criteria: Invitae Variant Classification Sherloc (09022015). Collection method: clinical testing. Allele origin: germline.
Comment: This sequence change replaces leucine, which is neutral and non-polar, with phenylalanine, which is neutral and non-polar, at codon 36 of the CLN8 protein (p.Leu36Phe). This variant is present in population databases (rs746677418, gnomAD 0.008%). This variant has not been reported in the literature in individuals affected with CLN8-related conditions. ClinVar contains an entry for this variant (Variation ID: 409293). Algorithms developed to predict the effect of missense changes on protein structure and function are either unavailable or do not agree on the potential impact of this missense change (SIFT: "Deleterious"; PolyPhen-2: "Possibly Damaging"; Align-GVGD: "Class C0"). In summary, the available evidence is currently insufficient to determine the role of this variant in disease. Therefore, it has been classified as a Variant of Uncertain Significance.

New York Genome Center
Classification: Uncertain significance for Neuronal ceroid lipofuscinosis 8. Last evaluated: 2021-03-02. Review status: criteria provided, single submitter. Criteria: NYGC Assertion Criteria 2020. Collection method: clinical testing. Allele origin: germline. Observed: 1 heterozygote. Study: CSER-NYCKidSeq.

Natera, Inc.
Classification: Uncertain significance for Neuronal ceroid lipofuscinosis 8. Last evaluated: 2020-03-29. Review status: no assertion criteria provided. Collection method: clinical testing. Allele origin: germline. Not counted in ClinVar's aggregate classification.

NM_018941.4(CLN8):c.108G>C (p.Leu36Phe)

Gene: CLN8 (CLN8 transmembrane ER and ERGIC protein; plus strand). Cytogenetic location: 8p23.3.
Variant type: single nucleotide variant.
Coding change: c.108G>C on transcript NM_018941.4 (MANE Select); coding-DNA position 108, G replaced by C.
Protein change: p.Leu36Phe; replaces leucine 36 with phenylalanine.
Molecular consequence: missense variant.
Genome position (GRCh38, 1-based): chr8:1,771,162, G>C. VCF-style: chr8-1771162-G-C. GRCh37 (hg19) VCF-style: chr8-1719328-G-C.
Other names: short protein forms L36F.
Identifiers: ClinVar variation 409293 (VCV000409293.8), dbSNP rs746677418, ClinGen allele CA4599198.